The following is an entry in ClinVar:

NM_001379200.1(TBX1):c.180C>G (p.Asp60Glu)

Gene: TBX1 (T-box transcription factor 1; plus strand). Cytogenetic location: 22q11.21.
Variant type: single nucleotide variant.
Coding change: c.180C>G on transcript NM_001379200.1 (MANE Select); coding-DNA position 180, C replaced by G.
Protein change: p.Asp60Glu; replaces aspartic acid 60 with glutamic acid.
Molecular consequence: missense variant.
Genome position (GRCh38, 1-based): chr22:19,761,023, C>G. VCF-style: chr22-19761023-C-G. GRCh37 (hg19) VCF-style: chr22-19748546-C-G.
Other names: c.153C>G, p.Asp51Glu (NM_005992.1, NM_080646.2, NM_080647.1); short protein forms D51E, D60E.
Identifiers: ClinVar variation 3174919 (VCV003174919.2), dbSNP rs2517841881, ClinGen allele CA410681319.

ClinVar aggregate classification (germline): Uncertain significance (1 of 4 stars; one submission).

Conditions:
Cardiovascular phenotype. Identifiers: MedGen CN230736.

Submission:

Ambry Genetics
Classification: Uncertain significance for Cardiovascular phenotype. Last evaluated: 2025-08-03. Review status: criteria provided, single submitter. Criteria: Ambry Variant Classification Scheme 2023. Collection method: clinical testing. Allele origin: germline.
Comment: The p.D51E variant (also known as c.153C>G), located in coding exon 2 of the TBX1 gene, results from a C to G substitution at nucleotide position 153. The aspartic acid at codon 51 is replaced by glutamic acid, an amino acid with highly similar properties. This amino acid position is conserved. In addition, this alteration is predicted to be tolerated by in silico analysis. Since supporting evidence is limited at this time, the clinical significance of this alteration remains unclear.